The following is an entry in ClinVar:

ClinVar aggregate classification (germline): Uncertain significance. Review status: criteria provided, multiple submitters, no conflicts (2 of 4 stars). 3 submissions from 3 submitters: Uncertain significance (3). Last evaluated 2024-11-28.

Conditions:
Inborn genetic diseases. Identifiers: MedGen C0950123, MeSH D030342.

Allele frequency attached by ClinVar (database versions not stated): gnomAD 0.00001; gnomAD exomes 0.00001; TOPMed 0.00001; ExAC 0.00002.
gnomAD v4.1: 9 of 1,612,038 alleles (0.00056%); highest among the groups gnomAD compares: East Asian, 0.0045%; no homozygotes.

Submissions (3):

Ambry Genetics
Classification: Uncertain significance for Inborn genetic diseases. Last evaluated: 2024-11-28. Review status: criteria provided, single submitter. Criteria: Ambry Variant Classification Scheme 2023. Collection method: clinical testing. Allele origin: germline.

GeneDx
Classification: Uncertain significance. Last evaluated: 2023-10-06. Review status: criteria provided, single submitter. Criteria: GeneDx Variant Classification Process June 2021. Collection method: clinical testing. Allele origin: germline.
Comment: Not observed at significant frequency in large population cohorts (gnomAD); In silico analysis supports that this missense variant has a deleterious effect on protein structure/function; Has not been previously published as pathogenic or benign to our knowledge

Blueprint Genetics
Classification: Uncertain significance. Last evaluated: 2019-07-30. Review status: criteria provided, single submitter. Criteria: ACMG Guidelines, 2015. Collection method: clinical testing. Allele origin: germline.

NM_001127649.3(PEX26):c.896A>G (p.Tyr299Cys)

Gene: PEX26 (peroxisomal biogenesis factor 26; plus strand). Cytogenetic location: 22q11.21.
Variant type: single nucleotide variant.
Coding change: c.896A>G on transcript NM_001127649.3 (MANE Select); coding-DNA position 896, A replaced by G.
Protein change: p.Tyr299Cys; replaces tyrosine 299 with cysteine.
Molecular consequence: missense variant.
Genome position (GRCh38, 1-based): chr22:18,088,053, A>G. VCF-style: chr22-18088053-A-G. GRCh37 (hg19) VCF-style: chr22-18570819-A-G.
Other names: c.749A>G, p.Tyr250Cys (NM_001199319.2); c.896A>G, p.Tyr299Cys (NM_017929.6); short protein forms Y250C, Y299C.
Identifiers: ClinVar variation 2577800 (VCV002577800.3), dbSNP rs745516553, ClinGen allele CA10093445.